The following is an entry in ClinVar:

NM_000719.7(CACNA1C):c.3510G>A (p.Gln1170=)

Gene: CACNA1C (calcium voltage-gated channel subunit alpha1 C; plus strand). Cytogenetic location: 12p13.33.
Variant type: single nucleotide variant.
Coding change: c.3510G>A on transcript NM_000719.7 (MANE Select); coding-DNA position 3510, G replaced by A.
Protein change: p.Gln1170=; no amino-acid change (glutamine 1170 retained).
Molecular consequence: synonymous variant.
Genome position (GRCh38, 1-based): chr12:2,608,664, G>A. VCF-style: chr12-2608664-G-A. GRCh37 (hg19) VCF-style: chr12-2717830-G-A.
Other names: c.3570G>A, p.Gln1190= (NM_001129827.2, NM_001129832.2, NM_199460.4); c.3510G>A, p.Gln1170= (NM_001129829.2, NM_001129830.3, NM_001129831.2 and 15 more transcripts); c.3501G>A, p.Gln1167= (NM_001129844.2).
Identifiers: ClinVar variation 579341 (VCV000579341.15), dbSNP rs372745326, ClinGen allele CA6389243.

ClinVar aggregate classification (germline): Likely benign. Review status: criteria provided, multiple submitters, no conflicts (2 of 4 stars). 3 submissions from 3 submitters: Likely benign (3). Last evaluated 2026-03-19.

Conditions:
Cardiovascular phenotype. Identifiers: MedGen CN230736.
Long QT syndrome (LQTS). Identifiers: MedGen C0023976, MeSH D008133, MONDO:0002442. Disease mechanism: loss of function. Inheritance: Various modes of inheritance.
CACNA1C-related disorder. Also called: CACNA1C-related condition; CACNA1C-related disorders. Identifiers: MedGen CN381092, MONDO:0700321.

Allele frequency attached by ClinVar (database versions not stated): TOPMed 0.00010; gnomAD 0.00012 and 0.00011; 1000 Genomes Project 30x 0.00016; gnomAD exomes 0.00003 and 0.00001; ExAC 0.00005; ESP Exome Variant Server 0.00015; 1000 Genomes Project 0.00020.
gnomAD v4.1: 34 of 1,614,164 alleles (0.0021%); highest among the groups gnomAD compares: African/African-American, 0.039%; no homozygotes.

Submissions (3):

PreventionGenetics, part of Exact Sciences
Classification: Likely benign for CACNA1C-related condition. Last evaluated: 2026-03-19. Review status: criteria provided, single submitter. Criteria: ACMG Guidelines, 2015. Collection method: clinical testing. Allele origin: germline.
Comment: This variant is classified as likely benign based on ACMG/AMP sequence variant interpretation guidelines (Richards et al. 2015 PMID: 25741868, with internal and published modifications).

Labcorp Genetics (formerly Invitae), Labcorp
Classification: Likely benign for Long QT syndrome. Last evaluated: 2025-12-21. Review status: criteria provided, single submitter. Criteria: Invitae Variant Classification Sherloc (09022015). Collection method: clinical testing. Allele origin: germline.

Ambry Genetics
Classification: Likely benign for Cardiovascular phenotype. Last evaluated: 2019-05-09. Review status: criteria provided, single submitter. Criteria: Ambry Variant Classification Scheme 2023. Collection method: clinical testing. Allele origin: germline.